The following is an entry in ClinVar:

NM_138387.4(G6PC3):c.418C>G (p.Arg140Gly)

Gene: G6PC3 (glucose-6-phosphatase catalytic subunit 3; plus strand). Cytogenetic location: 17q21.31.
Variant type: single nucleotide variant.
Coding change: c.418C>G on transcript NM_138387.4 (MANE Select); coding-DNA position 418, C replaced by G.
Protein change: p.Arg140Gly; replaces arginine 140 with glycine.
Molecular consequence: missense variant. On other transcripts: intron variant (1).
Genome position (GRCh38, 1-based): chr17:44,074,970, C>G. VCF-style: chr17-44074970-C-G. GRCh37 (hg19) VCF-style: chr17-42152338-C-G.
Other names: c.73C>G, p.Arg25Gly (NM_001384165.1, NM_001384166.1, NM_001384167.1 and 1 more transcripts); c.416+200C>G (NM_001319945.2); short protein forms R140G, R25G.
Identifiers: ClinVar variation 4261005 (VCV004261005.1).

ClinVar aggregate classification (germline): Uncertain significance (1 of 4 stars; one submission).

Conditions:
Inborn genetic diseases. Identifiers: MedGen C0950123, MeSH D030342.

Submission:

Ambry Genetics
Classification: Uncertain significance for Inborn genetic diseases. Last evaluated: 2025-08-23. Review status: criteria provided, single submitter. Criteria: Ambry Variant Classification Scheme 2023. Collection method: clinical testing. Allele origin: germline.
Comment: The p.R140G variant (also known as c.418C>G), located in coding exon 4 of the G6PC3 gene, results from a C to G substitution at nucleotide position 418. The arginine at codon 140 is replaced by glycine, an amino acid with dissimilar properties. This amino acid position is conserved. In addition, this alteration is predicted to be tolerated by in silico analysis. Based on the available evidence, the clinical significance of this variant remains unclear.